The following is an entry in ClinVar:

ClinVar aggregate classification (germline): Uncertain significance (1 of 4 stars; one submission).

Submission:

GeneDx
Classification: Uncertain significance. Last evaluated: 2025-05-16. Review status: criteria provided, single submitter. Criteria: GeneDx Variant Classification Process June 2021. Collection method: clinical testing. Allele origin: germline. Affected: yes.
Comment: Not observed at significant frequency in large population cohorts (gnomAD); In silico analysis suggests that this missense variant does not alter protein structure/function; Has not been previously published as pathogenic or benign to our knowledge

NM_000217.3(KCNA1):c.413A>G (p.Lys138Arg)

Gene: KCNA1 (potassium voltage-gated channel subfamily A member 1; plus strand). Cytogenetic location: 12p13.32.
Variant type: single nucleotide variant.
Coding change: c.413A>G on transcript NM_000217.3 (MANE Select); coding-DNA position 413, A replaced by G.
Protein change: p.Lys138Arg; replaces lysine 138 with arginine.
Molecular consequence: missense variant.
Genome position (GRCh38, 1-based): chr12:4,911,791, A>G. VCF-style: chr12-4911791-A-G. GRCh37 (hg19) VCF-style: chr12-5020957-A-G.
Other names: short protein forms K138R.
Identifiers: ClinVar variation 4529658 (VCV004529658.1).